The following is an entry in ClinVar:

NM_001384474.1(LOXHD1):c.3748+1G>A

Gene: LOXHD1 (lipoxygenase homology PLAT domains 1; minus strand). Cytogenetic location: 18q21.1.
Variant type: single nucleotide variant.
Coding change: c.3748+1G>A on transcript NM_001384474.1 (MANE Select); the canonical splice donor site of the intron after coding-DNA position 3748, G replaced by A.
Molecular consequence: splice donor variant.
Genome position (GRCh38, 1-based): chr18:46,542,726, C>T on the plus strand (G>A on the coding strand, the complement: LOXHD1 is on the minus strand). VCF-style: chr18-46542726-C-T. GRCh37 (hg19) VCF-style: chr18-44122689-C-T.
Other names: c.415+1G>A (NM_001145472.3); c.127+1G>A (NM_001308013.2); c.3748+1G>A (NM_144612.7).
Identifiers: ClinVar variation 2769282 (VCV002769282.3), dbSNP rs2144370278, ClinGen allele CA402377798.

ClinVar aggregate classification (germline): Pathogenic (1 of 4 stars; one submission).

Submission:

Labcorp Genetics (formerly Invitae), Labcorp
Classification: Pathogenic. Last evaluated: 2023-10-17. Review status: criteria provided, single submitter. Criteria: Invitae Variant Classification Sherloc (09022015). Collection method: clinical testing. Allele origin: germline.
Comment: This sequence change affects a donor splice site in intron 24 of the LOXHD1 gene. It is expected to disrupt RNA splicing. Variants that disrupt the donor or acceptor splice site typically lead to a loss of protein function (PMID: 16199547), and loss-of-function variants in LOXHD1 are known to be pathogenic (PMID: 19732867, 21465660, 25792669). This variant is not present in population databases (gnomAD no frequency). Disruption of this splice site has been observed in individual(s) with nonsyndromic deafness (PMID: 29676012). In at least one individual the data is consistent with being in trans (on the opposite chromosome) from a pathogenic variant. It has also been observed to segregate with disease in related individuals. Algorithms developed to predict the effect of sequence changes on RNA splicing suggest that this variant may disrupt the consensus splice site. For these reasons, this variant has been classified as Pathogenic.

Literature cited by the submitters: PubMed 16199547; PubMed 19732867; PubMed 21465660; PubMed 25792669; PubMed 29676012.